The following is an entry in ClinVar:

NM_000219.6(KCNE1):c.292del (p.Arg98fs)

Gene: KCNE1 (potassium voltage-gated channel subfamily E regulatory subunit 1; minus strand). Cytogenetic location: 21q22.12.
Variant type: Deletion.
Coding change: c.292del on transcript NM_000219.6 (MANE Select); coding-DNA position 292, one base deleted (C; older notation c.292delC).
Protein change: p.Arg98fs; shifts the reading frame from arginine 98.
Molecular consequence: frameshift variant.
Genome position (GRCh38, 1-based): chr21:34,449,343, G deleted on the plus strand (C on the coding strand, the reverse complement: KCNE1 is on the minus strand); the first of 3 consecutive G bases (chr21:34,449,343-34,449,345); deleting any one gives the same sequence. VCF-style (leftmost placement, unchanged base first): chr21-34449342-CG-C. GRCh37 (hg19) VCF-style: chr21-35821640-CG-C.
Other names: c.292del, p.Arg98fs (NM_001270402.3, NM_001270403.2, NM_001270404.3 and 4 more transcripts); c.292delC (NM_000219.5, NM_000219.3); short protein forms R98fs.
Identifiers: ClinVar variation 503959 (VCV000503959.7), dbSNP rs1555843717, ClinGen allele CA658799409.

ClinVar aggregate classification (germline): Uncertain significance. Review status: criteria provided, multiple submitters, no conflicts (2 of 4 stars). 3 submissions from 3 submitters: Uncertain significance (3). Last evaluated 2026-09-25.

Conditions:
Long QT syndrome (LQTS). Identifiers: MedGen C0023976, MeSH D008133, MONDO:0002442. Disease mechanism: loss of function. Inheritance: Various modes of inheritance.
KCNE1-related disorder. Also called: KCNE1-related condition.

Submissions (3):

PreventionGenetics, part of Exact Sciences
Classification: Uncertain significance for KCNE1-related condition. Last evaluated: 2026-09-25. Review status: criteria provided, single submitter. Criteria: ACMG Guidelines, 2015. Collection method: clinical testing. Allele origin: germline.
Comment: The KCNE1 c.292delC variant is predicted to result in a frameshift and premature protein termination (p.Arg98Glyfs*18). To our knowledge, this variant has not been reported in the literature or in a large population database (gnomAD), indicating this variant is rare. At this time, the clinical significance of this variant is uncertain due to the absence of conclusive functional and genetic evidence.

Labcorp Genetics (formerly Invitae), Labcorp
Classification: Uncertain significance for Long QT syndrome. Last evaluated: 2025-09-01. Review status: criteria provided, single submitter. Criteria: Invitae Variant Classification Sherloc (09022015). Collection method: clinical testing. Allele origin: germline.
Comment: This sequence change creates a premature translational stop signal (p.Arg98Glyfs*18) in the KCNE1 gene. While this is not anticipated to result in nonsense mediated decay, it is expected to disrupt the last 32 amino acid(s) of the KCNE1 protein. This variant is not present in population databases (gnomAD no frequency). This variant has not been reported in the literature in individuals affected with KCNE1-related conditions. ClinVar contains an entry for this variant (Variation ID: 503959). In summary, the available evidence is currently insufficient to determine the role of this variant in disease. Therefore, it has been classified as a Variant of Uncertain Significance.

GeneDx
Classification: Uncertain significance. Last evaluated: 2024-02-02. Review status: criteria provided, single submitter. Criteria: GeneDx Variant Classification Process June 2021. Collection method: clinical testing. Allele origin: germline. Affected: yes.
Comment: Frameshift variant predicted to result in protein truncation as the last 32 amino acids are replaced with 17 different amino acids, although loss-of-function variants have not been reported downstream of this position in the protein; Not observed at significant frequency in large population cohorts (gnomAD); Has not been previously published as pathogenic or benign to our knowledge